The following is an entry in ClinVar:

ClinVar aggregate classification (germline): Uncertain significance (1 of 4 stars; one submission).

Submission:

Labcorp Genetics (formerly Invitae), Labcorp
Classification: Uncertain significance. Last evaluated: 2025-09-13. Review status: criteria provided, single submitter. Criteria: Invitae Variant Classification Sherloc (09022015). Collection method: clinical testing. Allele origin: germline.
Comment: This sequence change replaces serine, which is neutral and polar, with proline, which is neutral and non-polar, at codon 568 of the GUCY2C protein (p.Ser568Pro). This variant is not present in population databases (gnomAD no frequency). This variant has not been reported in the literature in individuals affected with GUCY2C-related conditions. ClinVar contains an entry for this variant (Variation ID: 3614808). Invitae Evidence Modeling of protein sequence and biophysical properties (such as structural, functional, and spatial information, amino acid conservation, physicochemical variation, residue mobility, and thermodynamic stability) indicates that this missense variant is expected to disrupt GUCY2C protein function with a positive predictive value of 80%. In summary, the available evidence is currently insufficient to determine the role of this variant in disease. Therefore, it has been classified as a Variant of Uncertain Significance.

NM_004963.4(GUCY2C):c.1702T>C (p.Ser568Pro)

Gene: GUCY2C (guanylate cyclase 2C; minus strand). Cytogenetic location: 12p12.3.
Variant type: single nucleotide variant.
Coding change: c.1702T>C on transcript NM_004963.4 (MANE Select); coding-DNA position 1702, T replaced by C.
Protein change: p.Ser568Pro; replaces serine 568 with proline.
Molecular consequence: missense variant.
Genome position (GRCh38, 1-based): chr12:14,651,415, A>G on the plus strand (T>C on the coding strand, the complement: GUCY2C is on the minus strand). VCF-style: chr12-14651415-A-G. GRCh37 (hg19) VCF-style: chr12-14804349-A-G.
Other names: short protein forms S568P.
Identifiers: ClinVar variation 3614808 (VCV003614808.2).